The following is an entry in ClinVar:

NM_000018.4(ACADVL):c.1878GCA[1] (p.Gln628del)

Gene: ACADVL (acyl-CoA dehydrogenase very long chain; plus strand). Cytogenetic location: 17p13.1.
Variant type: Microsatellite.
Coding change: c.1878GCA[1] on transcript NM_000018.4 (MANE Select); one copy of the 3-base unit GCA starting at c.1878; the reference has two copies in a row; one copy, 3 bases deleted.
Protein change: p.Gln628del; deletes glutamine 628.
Genome position (GRCh38, 1-based): chr17:7,225,010-7,225,012, GCA deleted; deleting any 3 consecutive bases within chr17:7,225,007-7,225,012 gives the same sequence; the position shown is the placement nearest the transcript's 3' end. VCF-style (leftmost placement, unchanged base first): chr17-7225006-GGCA-G. GRCh37 (hg19) VCF-style: chr17-7128325-GGCA-G.
Other names: c.1812GCA[1], p.Gln606del (NM_001033859.3); c.1947GCA[1], p.Gln651del (NM_001270447.2); c.1650GCA[1], p.Gln552del (NM_001270448.2); short protein forms Q651del, Q628del, Q552del, Q606del.
Identifiers: ClinVar variation 3658709 (VCV003658709.2).

ClinVar aggregate classification (germline): Uncertain significance (1 of 4 stars; one submission).

Conditions:
Very long chain acyl-CoA dehydrogenase deficiency (ACADVLD). Also called: VLCAD Deficiency; Very Long-Chain Acyl-Coenzyme A Dehydrogenase Deficiency. Identifiers: Orphanet 26793, MedGen C3887523, MONDO:0008723, OMIM 201475.

Submission:

Labcorp Genetics (formerly Invitae), Labcorp
Classification: Uncertain significance for Very long chain acyl-CoA dehydrogenase deficiency. Last evaluated: 2024-07-12. Review status: criteria provided, single submitter. Criteria: Invitae Variant Classification Sherloc (09022015). Collection method: clinical testing. Allele origin: germline.
Comment: This variant, c.1881_1883del, results in the deletion of 1 amino acid(s) of the ACADVL protein (p.Gln628del), but otherwise preserves the integrity of the reading frame. This variant is not present in population databases (gnomAD no frequency). This variant has not been reported in the literature in individuals affected with ACADVL-related conditions. Experimental studies and prediction algorithms are not available or were not evaluated, and the functional significance of this variant is currently unknown. In summary, the available evidence is currently insufficient to determine the role of this variant in disease. Therefore, it has been classified as a Variant of Uncertain Significance.